The following is an entry in ClinVar:

NM_172107.4(KCNQ2):c.338_339delinsAT (p.Ser113Tyr)

Gene: KCNQ2 (potassium voltage-gated channel subfamily Q member 2; minus strand). Cytogenetic location: 20q13.33.
Variant type: Indel.
Coding change: c.338_339delinsAT on transcript NM_172107.4 (MANE Select); coding-DNA positions 338 to 339, CC replaced by AT.
Protein change: p.Ser113Tyr; replaces serine 113 with tyrosine.
Molecular consequence: missense variant.
Genome position (GRCh38, 1-based): chr20:63,446,795-63,446,796, GG replaced by AT on the plus strand (CC replaced by AT on the coding strand, the reverse complement: KCNQ2 is on the minus strand). VCF-style: chr20-63446795-GG-AT. GRCh37 (hg19) VCF-style: chr20-62078148-GG-AT.
Other names: c.338_339delinsAT, p.Ser113Tyr (NM_004518.6, NM_172106.3, NM_172108.5 and 1 more transcripts); short protein forms S113Y.
Identifiers: ClinVar variation 449878 (VCV000449878.1), dbSNP rs1555874555, ClinGen allele CA658658881.

ClinVar aggregate classification (germline): Likely pathogenic (1 of 4 stars; one submission).

Submission:

GeneDx
Classification: Likely pathogenic. Last evaluated: 2017-04-27. Review status: criteria provided, single submitter. Criteria: GeneDx Variant Classification (06012015). Collection method: clinical testing. Allele origin: germline. Affected: yes.
Comment: A variant that is likely pathogenic has been identified in the KCNQ2 gene. The c.338_339delCCinsAT variant has not been published as a pathogenic variant, nor has it been reported as a benign variant to our knowledge. It is not observed in large population cohorts (Lek et al., 2016; 1000 Genomes Consortium et al., 2015; Exome Variant Server). The c.338_339delCCinsAT variant results in an in-frame deletion of a single Serine residue and insertion of a single Tyrosine residue at amino acid position 113, denoted S113Y. This substitution occurs at a position where amino acids with similar properties to Serine are tolerated across species; however, this variant is a semi-conservative amino acid substitution, which may impact secondary protein structure as these residues differ in some properties. Additionally, in silico analysis predicts the S113Y variant is probably damaging to the protein structure/function. Results of parental testing indicate that the c.338_339delCCinsAT variant is apparently de novo. Therefore, this variant is likely pathogenic; however, the possibility that it is benign cannot be excluded.